The following is an entry in ClinVar:

ClinVar aggregate classification (germline): Uncertain significance. Review status: criteria provided, multiple submitters, no conflicts (2 of 4 stars). 3 submissions from 3 submitters: Uncertain significance (2). 1 of the submissions does not count toward it. Last evaluated 2024-08-31.

Conditions:
Inborn genetic diseases. Identifiers: MedGen C0950123, MeSH D030342.
Methylmalonic acidemia (MMA). Also called: Isolated Methylmalonic Acidemia. Identifiers: MedGen C0268583, MeSH C537358, MONDO:0002012, HP:0002912.
Combined malonic and methylmalonic acidemia. Identifiers: Orphanet 289504, MedGen C3280314, MONDO:0013661, OMIM 614265.

Allele frequency attached by ClinVar (database versions not stated): TOPMed 0.00003; gnomAD 0.00004; gnomAD exomes 0.00009 and 0.00012; ExAC 0.00010; ESP Exome Variant Server 0.00015.
gnomAD v4.1: 176 of 1,613,976 alleles (0.011%); highest among the groups gnomAD compares: Middle Eastern, 0.016%; no homozygotes.

Submissions (3):

Labcorp Genetics (formerly Invitae), Labcorp
Classification: Uncertain significance for Combined malonic and methylmalonic acidemia. Last evaluated: 2024-08-31. Review status: criteria provided, single submitter. Criteria: Invitae Variant Classification Sherloc (09022015). Collection method: clinical testing. Allele origin: germline.
Comment: This sequence change replaces valine, which is neutral and non-polar, with methionine, which is neutral and non-polar, at codon 459 of the ACSF3 protein (p.Val459Met). This variant is present in population databases (rs200029061, gnomAD 0.02%). This variant has not been reported in the literature in individuals affected with ACSF3-related conditions. ClinVar contains an entry for this variant (Variation ID: 992097). Invitae Evidence Modeling of protein sequence and biophysical properties (such as structural, functional, and spatial information, amino acid conservation, physicochemical variation, residue mobility, and thermodynamic stability) has been performed for this missense variant. However, the output from this modeling did not meet the statistical confidence thresholds required to predict the impact of this variant on ACSF3 protein function. In summary, the available evidence is currently insufficient to determine the role of this variant in disease. Therefore, it has been classified as a Variant of Uncertain Significance.

Ambry Genetics
Classification: Uncertain significance for Inborn genetic diseases. Last evaluated: 2024-08-21. Review status: criteria provided, single submitter. Criteria: Ambry Variant Classification Scheme 2023. Collection method: clinical testing. Allele origin: germline.

Natera, Inc.
Classification: Uncertain significance for Methylmalonic acidemia. Last evaluated: 2020-09-24. Review status: no assertion criteria provided. Collection method: clinical testing. Allele origin: germline. Not counted in ClinVar's aggregate classification.

NM_001243279.3(ACSF3):c.1375G>A (p.Val459Met)

Gene: ACSF3 (acyl-CoA synthetase family member 3; plus strand). Cytogenetic location: 16q24.3.
Variant type: single nucleotide variant.
Coding change: c.1375G>A on transcript NM_001243279.3 (MANE Select); coding-DNA position 1375, G replaced by A.
Protein change: p.Val459Met; replaces valine 459 with methionine.
Molecular consequence: missense variant. On other transcripts: non-coding transcript variant (4).
Genome position (GRCh38, 1-based): chr16:89,145,275, G>A. VCF-style: chr16-89145275-G-A. GRCh37 (hg19) VCF-style: chr16-89211683-G-A.
Other names: c.1375G>A (NM_174917.3); c.1375G>A, p.Val459Met (NM_001127214.4, NM_174917.5); c.580G>A, p.Val194Met (NM_001284316.2); short protein forms V194M, V459M.
Identifiers: ClinVar variation 992097 (VCV000992097.5), dbSNP rs200029061, ClinGen allele CA8238207.